The following is an entry in ClinVar:

NM_001130144.3(LTBP3):c.2441G>T (p.Gly814Val)

Gene: LTBP3 (latent transforming growth factor beta binding protein 3; minus strand). Cytogenetic location: 11q13.1.
Variant type: single nucleotide variant.
Coding change: c.2441G>T on transcript NM_001130144.3 (MANE Select); coding-DNA position 2441, G replaced by T.
Protein change: p.Gly814Val; replaces glycine 814 with valine.
Molecular consequence: missense variant.
Genome position (GRCh38, 1-based): chr11:65,543,462, C>A on the plus strand (G>T on the coding strand, the complement: LTBP3 is on the minus strand). VCF-style: chr11-65543462-C-A. GRCh37 (hg19) VCF-style: chr11-65310933-C-A.
Other names: c.2090G>T, p.Gly697Val (NM_001164266.1); c.2441G>T, p.Gly814Val (NM_021070.4); short protein forms G697V, G814V.
Identifiers: ClinVar variation 4049859 (VCV004049859.1).

ClinVar aggregate classification (germline): Uncertain significance (1 of 4 stars; one submission).

Conditions:
Inborn genetic diseases. Identifiers: MedGen C0950123, MeSH D030342.

Submission:

Ambry Genetics
Classification: Uncertain significance for Inborn genetic diseases. Last evaluated: 2025-03-23. Review status: criteria provided, single submitter. Criteria: Ambry Variant Classification Scheme 2023. Collection method: clinical testing. Allele origin: germline.
Comment: The p.G814V variant (also known as c.2441G>T), located in coding exon 17 of the LTBP3 gene, results from a G to T substitution at nucleotide position 2441. The glycine at codon 814 is replaced by valine, an amino acid with dissimilar properties. This amino acid position is conserved. In addition, this alteration is predicted to be deleterious by in silico analysis. Based on the available evidence, the clinical significance of this variant remains unclear.